The following is an entry in ClinVar:

ClinVar aggregate classification (germline): Likely pathogenic (1 of 4 stars; one submission).

Submission:

GeneDx
Classification: Likely pathogenic. Last evaluated: 2024-12-16. Review status: criteria provided, single submitter. Criteria: GeneDx Variant Classification Process June 2021. Collection method: clinical testing. Allele origin: germline. Affected: yes.
Comment: Nonsense variant predicted to result in protein truncation, as the last 190 amino acids are lost, and other loss-of-function variants have been reported downstream; Not observed at significant frequency in large population cohorts (gnomAD); Has not been previously published as pathogenic or benign to our knowledge

NM_021728.4(OTX2):c.322C>T (p.Gln108Ter)

Gene: OTX2 (orthodenticle homeobox 2; minus strand). Cytogenetic location: 14q22.3.
Variant type: single nucleotide variant.
Coding change: c.322C>T on transcript NM_021728.4 (MANE Select); coding-DNA position 322, C replaced by T.
Protein change: p.Gln108Ter; replaces glutamine 108 with a stop codon.
Molecular consequence: nonsense. On other transcripts: non-coding transcript variant (2).
Genome position (GRCh38, 1-based): chr14:56,802,307, G>A on the plus strand (C>T on the coding strand, the complement: OTX2 is on the minus strand). VCF-style: chr14-56802307-G-A. GRCh37 (hg19) VCF-style: chr14-57269025-G-A.
Other names: c.298C>T, p.Gln100Ter (NM_001270523.2, NM_001270524.2, NM_172337.3); c.322C>T, p.Gln108Ter (NM_001270525.2); short protein forms Q100*, Q108*.
Identifiers: ClinVar variation 3906478 (VCV003906478.1).
Genomic context (GRCh38, chr14:56,802,307, plus strand): 5'-CCCGAGCTGGAGATGTCTTCTTTTTGGCAGGTCTCACTTTGTTTTGACCTCCATTCTGCT[G>A]TTGTTGCTGTTGTTGGCGGCACTTAGCTCTTCGATTCTTAAACCATACCTTGGAAGGGAA-3'